The following is an entry in ClinVar:

NM_000719.7(CACNA1C):c.4837G>A (p.Val1613Ile)

Genes: CACNA1C (calcium voltage-gated channel subunit alpha1 C; plus strand), CACNA1C-AS1 (CACNA1C antisense RNA 1; minus strand). Cytogenetic location: 12p13.33.
Variant type: single nucleotide variant.
Coding change: c.4837G>A on transcript NM_000719.7 (MANE Select); coding-DNA position 4837, G replaced by A.
Protein change: p.Val1613Ile; replaces valine 1613 with isoleucine.
Molecular consequence: missense variant. On other transcripts: non-coding transcript variant (1).
Genome position (GRCh38, 1-based): chr12:2,677,102, G>A. VCF-style: chr12-2677102-G-A. GRCh37 (hg19) VCF-style: chr12-2786268-G-A.
Other names: c.4981G>A, p.Val1661Ile (NM_001129827.2, NM_199460.4); c.4960G>A, p.Val1654Ile (NM_001129829.2); c.4837G>A, p.Val1613Ile (NM_001129830.3, NM_001129840.2, NM_001129841.2 and 4 more transcripts); c.4921G>A, p.Val1641Ile (NM_001129831.2); c.4897G>A, p.Val1633Ile (NM_001129832.2); c.4894G>A, p.Val1632Ile (NM_001129833.2, NM_001129834.2, NM_001129835.2); c.4888G>A, p.Val1630Ile (NM_001129836.2); c.4861G>A, p.Val1621Ile (NM_001129837.2, NM_001129838.2); and 3 more; short protein forms V1613I, V1661I, V1621I, V1632I, V1641I, V1633I, V1602I, V1630I.
Identifiers: ClinVar variation 456973 (VCV000456973.16), dbSNP rs757629968, ClinGen allele CA6389632.
Genomic context (GRCh38, chr12:2,677,102, plus strand): 5'-CTGAATTCCCCTGCTCCCCTCTTACCCCCTCTCCCCTCTCCATACGTCTCAGATGATGAG[G>A]TCACCGTTGGCAAGTTCTACGCCACGTTCCTGATCCAGGAGTACTTCCGGAAGTTCAAGA-3'
Protein context (NP_000710.5, residues 1603-1623): QVVPPAGDDE[Val1613Ile]TVGKFYATFL

ClinVar aggregate classification (germline): Uncertain significance. Review status: criteria provided, multiple submitters, no conflicts (2 of 4 stars). 3 submissions from 3 submitters: Uncertain significance (3). Last evaluated 2025-11-12.

Conditions:
Long QT syndrome (LQTS). Identifiers: MedGen C0023976, MeSH D008133, MONDO:0002442. Disease mechanism: loss of function. Inheritance: Various modes of inheritance.
Cardiovascular phenotype. Identifiers: MedGen CN230736.

Allele frequency attached by ClinVar (database versions not stated): ExAC 0.00001; gnomAD 0.00001; gnomAD exomes 0.00001 and 0.00002; TOPMed 0.00002.
gnomAD v4.1: 30 of 1,613,180 alleles (0.0019%); highest among the groups gnomAD compares: Non-Finnish European, 0.0025%; no homozygotes.

Submissions (3):

Labcorp Genetics (formerly Invitae), Labcorp
Classification: Uncertain significance for Long QT syndrome. Last evaluated: 2025-11-12. Review status: criteria provided, single submitter. Criteria: Invitae Variant Classification Sherloc (09022015). Collection method: clinical testing. Allele origin: germline.
Comment: This sequence change replaces valine, which is neutral and non-polar, with isoleucine, which is neutral and non-polar, at codon 1613 of the CACNA1C protein (p.Val1613Ile). This variant is present in population databases (rs757629968, gnomAD 0.003%). This variant has not been reported in the literature in individuals affected with CACNA1C-related conditions. ClinVar contains an entry for this variant (Variation ID: 456973). Invitae Evidence Modeling of protein sequence and biophysical properties (such as structural, functional, and spatial information, amino acid conservation, physicochemical variation, residue mobility, and thermodynamic stability) indicates that this missense variant is not expected to disrupt CACNA1C protein function with a negative predictive value of 80%. In summary, the available evidence is currently insufficient to determine the role of this variant in disease. Therefore, it has been classified as a Variant of Uncertain Significance.

Ambry Genetics
Classification: Uncertain significance for Cardiovascular phenotype. Last evaluated: 2023-07-03. Review status: criteria provided, single submitter. Criteria: Ambry Variant Classification Scheme 2023. Collection method: clinical testing. Allele origin: germline.
Comment: The p.V1613I variant (also known as c.4837G>A), located in coding exon 40 of the CACNA1C gene, results from a G to A substitution at nucleotide position 4837. The valine at codon 1613 is replaced by isoleucine, an amino acid with highly similar properties. This amino acid position is highly conserved in available vertebrate species. In addition, this alteration is predicted to be tolerated by in silico analysis. Since supporting evidence is limited at this time, the clinical significance of this alteration remains unclear.

ARUP Laboratories, Molecular Genetics and Genomics, ARUP Laboratories
Classification: Uncertain significance. Last evaluated: 2018-10-05. Review status: criteria provided, single submitter. Criteria: ARUP Molecular Germline Variant Investigation Process. Collection method: clinical testing. Allele origin: germline.
Comment: The p.Val1613Ile variant (rs757629968) has not been reported in the medical literature, gene specific variation databases, nor has it been previously identified by our laboratory. This variant is listed in the Genome Aggregation Database (gnomAD) with an overall population frequency of 0.0008 percent (identified on 2 out of 245,050 chromosomes) and has been reported to the ClinVar database (Variation ID: 456973). The valine at position 1613 is highly conserved and computational analyses of the effects of the p.Val1613Ile variant on protein structure and function provide conflicting results (SIFT: deleterious, PolyPhen-2: benign). Altogether, there is not enough evidence to classify the p.Val1613Ile variant with certainty.